The following is an entry in ClinVar:

ClinVar aggregate classification (germline): Conflicting classifications of pathogenicity. Review status: criteria provided, conflicting classifications (1 of 4 stars). 2 submissions from 2 submitters: Pathogenic (1); Uncertain significance (1). Last evaluated 2024-04-04.

Conditions:
Spastic ataxia. Identifiers: Orphanet 316226, MedGen C1849156, MONDO:0017845, HP:0002497.

Allele frequency attached by ClinVar (database versions not stated): gnomAD exomes below 0.00001; gnomAD 0.00001.
gnomAD v4.1: 5 of 1,531,868 alleles (0.00033%); highest among the groups gnomAD compares: Non-Finnish European, 0.00044%; no homozygotes.

Submissions (2):

GeneDx
Classification: Uncertain significance. Last evaluated: 2024-04-04. Review status: criteria provided, single submitter. Criteria: GeneDx Variant Classification Process June 2021. Collection method: clinical testing. Allele origin: germline. Affected: yes.
Comment: Observed as heterozygous variant in patient with ataxia in published literature; however, variants in other genes were also identified (PMID: 34445196); Not observed at significant frequency in large population cohorts (gnomAD); In silico analysis supports that this missense variant has a deleterious effect on protein structure/function; This variant is associated with the following publications: (PMID: 34445196)

Molecular Medicine for Neurodegenerative and Neuromuscular Diseases Unit, IRCCS Fondazione Stella Maris
Classification: Pathogenic for Spastic ataxia. Last evaluated: 2021-07-12. Review status: criteria provided, single submitter. Criteria: ACMG Guidelines, 2015. Collection method: research. Allele origin: unknown. Affected: yes.

NM_001166114.2(PNPLA6):c.2182C>A (p.Gln728Lys)

Gene: PNPLA6 (patatin like domain 6, lysophospholipase; plus strand). Cytogenetic location: 19p13.2.
Variant type: single nucleotide variant.
Coding change: c.2182C>A on transcript NM_001166114.2 (MANE Select); coding-DNA position 2182, C replaced by A.
Protein change: p.Gln728Lys; replaces glutamine 728 with lysine.
Molecular consequence: missense variant.
Genome position (GRCh38, 1-based): chr19:7,551,105, C>A. VCF-style: chr19-7551105-C-A. GRCh37 (hg19) VCF-style: chr19-7615991-C-A.
Other names: c.2209C>A, p.Gln737Lys (NM_001166111.2); c.1987C>A, p.Gln663Lys (NM_001166112.2); c.2065C>A, p.Gln689Lys (NM_001166113.1, NM_006702.5); c.2065C>A (NM_006702.4); short protein forms Q663K, Q689K, Q728K, Q737K.
Identifiers: ClinVar variation 1027462 (VCV001027462.2), dbSNP rs889723987, ClinGen allele CA304875569.
Genomic context (GRCh38, chr19:7,551,105, plus strand): 5'-GACACGGAGCTGGCCAAGCTTCCCGAGGGCACCTTGGGTCACATCAAACGCCGGTACCCG[C>A]AGGTGCGGCCTGTTGTGGGCGGGGCAGAGAGGCGGAGGCGGGACTCCGGGGGGGTGGGGG-3'
Protein context (NP_001159586.1, residues 718-738): TLGHIKRRYP[Gln728Lys]VVTRLIHLLS